The following is an entry in ClinVar:

ClinVar aggregate classification (germline): Uncertain significance (1 of 4 stars; one submission).

Conditions:
COG7-related disorder. Also called: COG7-related condition.

gnomAD v4.1: 1 of 1,614,042 alleles (0.000062%); highest among the groups gnomAD compares: Non-Finnish European, 0.000085%; no homozygotes.

Submission:

PreventionGenetics, part of Exact Sciences
Classification: Uncertain significance for COG7-related condition. Last evaluated: 2026-05-22. Review status: criteria provided, single submitter. Criteria: ACMG Guidelines, 2015. Collection method: clinical testing. Allele origin: germline.
Comment: The COG7 c.688-1G>T variant is predicted to disrupt the AG splice acceptor site and interfere with normal splicing. This variant is predicted to impact splicing based on one available splicing algorithm (SpliceAI, Jaganathan et al. 2019. PubMed ID: 30661751). To our knowledge, this variant has not been reported in the literature or in a large population database (gnomAD), indicating this variant is rare. Although we suspect that this variant may be pathogenic, at this time, the clinical significance of this variant is uncertain due to the absence of conclusive functional and genetic evidence.

NM_153603.4(COG7):c.688-1G>T

Gene: COG7 (component of oligomeric golgi complex 7; minus strand). Cytogenetic location: 16p12.2.
Variant type: single nucleotide variant.
Coding change: c.688-1G>T on transcript NM_153603.4 (MANE Select); the canonical splice acceptor site of the intron before coding-DNA position 688, G replaced by T.
Molecular consequence: splice acceptor variant.
Genome position (GRCh38, 1-based): chr16:23,433,668, C>A on the plus strand (G>T on the coding strand, the complement: COG7 is on the minus strand). VCF-style: chr16-23433668-C-A. GRCh37 (hg19) VCF-style: chr16-23444989-C-A.
Identifiers: ClinVar variation 4992844 (VCV004992844.1).